The following is an entry in ClinVar:

ClinVar aggregate classification (germline): Uncertain significance (1 of 4 stars; one submission).

gnomAD v4.1: 1 of 1,613,852 alleles (0.000062%); highest among the groups gnomAD compares: Non-Finnish European, 0.000085%; no homozygotes.

Submission:

Labcorp Genetics (formerly Invitae), Labcorp
Classification: Uncertain significance. Last evaluated: 2022-05-12. Review status: criteria provided, single submitter. Criteria: Invitae Variant Classification Sherloc (09022015). Collection method: clinical testing. Allele origin: germline.
Comment: This variant has not been reported in the literature in individuals affected with CCDC88A-related conditions. This variant is not present in population databases (gnomAD no frequency). This sequence change replaces lysine, which is basic and polar, with asparagine, which is neutral and polar, at codon 464 of the CCDC88A protein (p.Lys464Asn). In summary, the available evidence is currently insufficient to determine the role of this variant in disease. Therefore, it has been classified as a Variant of Uncertain Significance. Algorithms developed to predict the effect of missense changes on protein structure and function are either unavailable or do not agree on the potential impact of this missense change (SIFT: "Deleterious"; PolyPhen-2: "Benign"; Align-GVGD: "Class C0").

NM_001365480.1(CCDC88A):c.1392G>C (p.Lys464Asn)

Gene: CCDC88A (coiled-coil and HOOK domain protein 88A; minus strand). Cytogenetic location: 2p16.1.
Variant type: single nucleotide variant.
Coding change: c.1392G>C on transcript NM_001365480.1 (MANE Select); coding-DNA position 1392, G replaced by C.
Protein change: p.Lys464Asn; replaces lysine 464 with asparagine.
Molecular consequence: missense variant.
Genome position (GRCh38, 1-based): chr2:55,339,590, C>G on the plus strand (G>C on the coding strand, the complement: CCDC88A is on the minus strand). VCF-style: chr2-55339590-C-G. GRCh37 (hg19) VCF-style: chr2-55566726-C-G.
Other names: c.1392G>C, p.Lys464Asn (NM_001135597.2, NM_001254943.2, NM_018084.5); short protein forms K464N.
Identifiers: ClinVar variation 1993254 (VCV001993254.4), dbSNP rs752674633, ClinGen allele CA346904286.